The following is an entry in ClinVar:

ClinVar aggregate classification (germline): Pathogenic/Likely pathogenic. Review status: criteria provided, multiple submitters, no conflicts (2 of 4 stars). 2 submissions from 2 submitters: Pathogenic (1); Likely pathogenic (1). Last evaluated 2023-06-22.

Conditions:
Transient bullous dermolysis of the newborn (TBDN). Also called: DYSTROPHIC EPIDERMOLYSIS BULLOSA, NEONATAL; EPIDERMOLYSIS BULLOSA DYSTROPHICA, NEONATAL FORM. Identifiers: Orphanet 79411, MedGen C1851573, MONDO:0007548, OMIM 131705.
Recessive dystrophic epidermolysis bullosa (RDEB). Also called: Hallopeau-Siemens Disease; DYSTROPHIC EPIDERMOLYSIS BULLOSA, AUTOSOMAL RECESSIVE; EPIDERMOLYSIS BULLOSA DYSTROPHICA, HALLOPEAU-SIEMENS TYPE; EPIDERMOLYSIS BULLOSA DYSTROPHICA, GENERALIZED SEVERE, AUTOSOMAL RECESSIVE; epidermolysis bullosa dystrophica, autosomal recessive; Recessive DEB (RDEB). Identifiers: Orphanet 79408, Orphanet 79409, MedGen C0079474, MONDO:0009179, OMIM 226600.

Allele frequency attached by ClinVar (database versions not stated): ExAC 0.00001; gnomAD exomes below 0.00001.
gnomAD v4.1: 1 of 1,614,008 alleles (0.000062%); highest among the groups gnomAD compares: South Asian, 0.0011%; no homozygotes.

Submissions (2):

Neuberg Centre For Genomic Medicine, NCGM
Classification: Likely pathogenic for Recessive dystrophic epidermolysis bullosa. Last evaluated: 2023-06-22. Review status: criteria provided, single submitter. Criteria: ACMG Guidelines, 2015. Collection method: clinical testing. Allele origin: germline. Inheritance: Autosomal recessive inheritance. Affected: yes.
Comment: The observed invariant splice donor c.4635+1G>A variant in COL7A1 gene has not been reported previously as a pathogenic variant nor a benign variant, to our knowledge. The c.4635+1G>A variant has been reported with allele frequency of 0.0004% in gnomAD Exomes. This variant has been submitted to the ClinVar database as Pathogenic, but no details are available for independent assessment. SpliceAI predicts this variant to cause splice donor loss (0.97) and donor gain (0.13). Loss of function variants have been previously reported to be disease causing. However, additional functional studies will be required to prove the pathogenicity of this variant. For these reasons, this variant has been classified as Likely Pathogenic.

Mendelics
Classification: Pathogenic for Transient bullous dermolysis of the newborn. Last evaluated: 2022-05-04. Review status: criteria provided, single submitter. Criteria: Mendelics Assertion Criteria 2019. Collection method: clinical testing. Allele origin: germline.

NM_000094.4(COL7A1):c.4635+1G>A

Gene: COL7A1 (collagen type VII alpha 1 chain; minus strand). Cytogenetic location: 3p21.31.
Variant type: single nucleotide variant.
Coding change: c.4635+1G>A on transcript NM_000094.4 (MANE Select); the canonical splice donor site of the intron after coding-DNA position 4635, G replaced by A.
Molecular consequence: splice donor variant.
Genome position (GRCh38, 1-based): chr3:48,582,322, C>T on the plus strand (G>A on the coding strand, the complement: COL7A1 is on the minus strand). VCF-style: chr3-48582322-C-T. GRCh37 (hg19) VCF-style: chr3-48619755-C-T.
Identifiers: ClinVar variation 1685661 (VCV001685661.2), dbSNP rs774890570, ClinGen allele CA2379924.